The following is an entry in ClinVar:

NM_000492.4(CFTR):c.3465C>G (p.Ser1155Arg)

Genes: CFTR (CF transmembrane conductance regulator; plus strand), CFTR-AS2 (CFTR antisense RNA 2; minus strand). Cytogenetic location: 7q31.2.
Variant type: single nucleotide variant.
Coding change: c.3465C>G on transcript NM_000492.4 (MANE Select); coding-DNA position 3465, C replaced by G.
Protein change: p.Ser1155Arg; replaces serine 1155 with arginine.
Molecular consequence: missense variant.
Genome position (GRCh38, 1-based): chr7:117,614,710, C>G. VCF-style: chr7-117614710-C-G. GRCh37 (hg19) VCF-style: chr7-117254764-C-G.
Other names: short protein forms S1155R.
Identifiers: ClinVar variation 3266655 (VCV003266655.1).

ClinVar aggregate classification (germline): Uncertain significance (1 of 4 stars; one submission).

Conditions:
Cystic fibrosis (CF). Also called: MUCOVISCIDOSIS. Identifiers: Orphanet 586, MedGen C0010674, MONDO:0009061, OMIM 219700. Disease mechanism: loss of function.

Submission:

Ambry Genetics
Classification: Uncertain significance for Cystic fibrosis. Last evaluated: 2024-04-11. Review status: criteria provided, single submitter. Criteria: Ambry Variant Classification Scheme 2023. Collection method: clinical testing. Allele origin: germline.
Comment: The p.S1155R variant (also known as c.3465C>G), located in coding exon 21 of the CFTR gene, results from a C to G substitution at nucleotide position 3465. The serine at codon 1155 is replaced by arginine, an amino acid with dissimilar properties. This amino acid position is conserved. In addition, this alteration is predicted to be deleterious by in silico analysis. Based on the available evidence, the clinical significance of this variant remains unclear.